The following is an entry in ClinVar:

ClinVar aggregate classification (germline): Likely benign. Review status: criteria provided, multiple submitters, no conflicts (2 of 4 stars). 3 submissions from 3 submitters: Likely benign (3). Last evaluated 2025-12-29.

Conditions:
Developmental and epileptic encephalopathy, 36 (DEE36). Also called: Congenital disorder of glycosylation, type Is; ALG13-CDG; Epileptic encephalopathy, early infantile, 36. Identifiers: Orphanet 324422, MedGen C4317295, MONDO:0010472, OMIM 300884.

Submissions (3):

Labcorp Genetics (formerly Invitae), Labcorp
Classification: Likely benign for Developmental and epileptic encephalopathy, 36. Last evaluated: 2025-12-29. Review status: criteria provided, single submitter. Criteria: Invitae Variant Classification Sherloc (09022015). Collection method: clinical testing. Allele origin: germline.

Blueprint Genetics
Classification: Likely benign. Last evaluated: 2024-11-28. Review status: criteria provided, single submitter. Criteria: ACMG Guidelines, 2015. Collection method: clinical testing. Allele origin: germline.

CeGaT Center for Human Genetics Tuebingen
Classification: Likely benign. Last evaluated: 2022-11-01. Review status: criteria provided, single submitter. Criteria: CeGaT Center For Human Genetics Tuebingen Variant Classification Criteria Version 2. Collection method: clinical testing. Allele origin: germline. Affected: yes. Observed: 1 variant allele.
Comment: ALG13: BP4, BP7

NM_001099922.3(ALG13):c.2775A>C (p.Pro925=)

Gene: ALG13 (ALG13 UDP-N-acetylglucosaminyltransferase subunit; plus strand). Cytogenetic location: Xq23.
Variant type: single nucleotide variant.
Coding change: c.2775A>C on transcript NM_001099922.3 (MANE Select); coding-DNA position 2775, A replaced by C.
Protein change: p.Pro925=; no amino-acid change (proline 925 retained).
Molecular consequence: synonymous variant. On other transcripts: intron variant (5).
Genome position (GRCh38, 1-based): chrX:111,744,747, A>C. VCF-style: chrX-111744747-A-C. GRCh37 (hg19) VCF-style: chrX-110987975-A-C.
Other names: c.2541A>C, p.Pro847= (NM_001257231.2); c.2383+7868A>C (NM_001257237.2, NM_001257234.2, NM_001257230.2); c.2209+7868A>C (NM_001324293.1); c.2695+7868A>C (NM_001324292.2).
Identifiers: ClinVar variation 767243 (VCV000767243.36), dbSNP rs1285221362, ClinGen allele CA518059775.